The following is an entry in ClinVar:

ClinVar aggregate classification (germline): Uncertain significance (1 of 4 stars; one submission).

Submission:

Labcorp Genetics (formerly Invitae), Labcorp
Classification: Uncertain significance. Last evaluated: 2023-07-10. Review status: criteria provided, single submitter. Criteria: Invitae Variant Classification Sherloc (09022015). Collection method: clinical testing. Allele origin: germline.
Comment: This sequence change replaces asparagine, which is neutral and polar, with aspartic acid, which is acidic and polar, at codon 1361 of the PIEZO2 protein (p.Asn1361Asp). In summary, the available evidence is currently insufficient to determine the role of this variant in disease. Therefore, it has been classified as a Variant of Uncertain Significance. Advanced modeling of protein sequence and biophysical properties (such as structural, functional, and spatial information, amino acid conservation, physicochemical variation, residue mobility, and thermodynamic stability) performed at Invitae indicates that this missense variant is expected to disrupt PIEZO2 protein function. This variant has not been reported in the literature in individuals affected with PIEZO2-related conditions. This variant is not present in population databases (gnomAD no frequency).

NM_001378183.1(PIEZO2):c.4156A>G (p.Asn1386Asp)

Gene: PIEZO2 (piezo type mechanosensitive ion channel component 2; minus strand). Cytogenetic location: 18p11.22.
Variant type: single nucleotide variant.
Coding change: c.4156A>G on transcript NM_001378183.1 (MANE Select); coding-DNA position 4156, A replaced by G.
Protein change: p.Asn1386Asp; replaces asparagine 1386 with aspartic acid.
Molecular consequence: missense variant.
Genome position (GRCh38, 1-based): chr18:10,752,647, T>C on the plus strand (A>G on the coding strand, the complement: PIEZO2 is on the minus strand). VCF-style: chr18-10752647-T-C. GRCh37 (hg19) VCF-style: chr18-10752645-T-C.
Other names: c.4156A>G, p.Asn1386Asp (NM_001410871.1); c.4081A>G, p.Asn1361Asp (NM_022068.4); short protein forms N1386D, N1361D.
Identifiers: ClinVar variation 2741027 (VCV002741027.3), dbSNP rs2510609134, ClinGen allele CA401919573.